The following is an entry in ClinVar:

ClinVar aggregate classification (germline): Uncertain significance (1 of 4 stars; one submission).

Allele frequency attached by ClinVar (database versions not stated): TOPMed below 0.00001; gnomAD 0.00001.
gnomAD v4.1: 1 of 1,614,070 alleles (0.000062%); highest among the groups gnomAD compares: Non-Finnish European, 0.000085%; no homozygotes.

Submission:

Labcorp Genetics (formerly Invitae), Labcorp
Classification: Uncertain significance. Last evaluated: 2023-10-05. Review status: criteria provided, single submitter. Criteria: Invitae Variant Classification Sherloc (09022015). Collection method: clinical testing. Allele origin: germline.
Comment: This sequence change replaces serine, which is neutral and polar, with glycine, which is neutral and non-polar, at codon 860 of the VCAN protein (p.Ser860Gly). This variant is not present in population databases (gnomAD no frequency). This variant has not been reported in the literature in individuals affected with VCAN-related conditions. Algorithms developed to predict the effect of missense changes on protein structure and function output the following: SIFT: "Not Available"; PolyPhen-2: "Benign"; Align-GVGD: "Not Available". The glycine amino acid residue is found in multiple mammalian species, which suggests that this missense change does not adversely affect protein function. In summary, the available evidence is currently insufficient to determine the role of this variant in disease. Therefore, it has been classified as a Variant of Uncertain Significance.

NM_004385.5(VCAN):c.2578A>G (p.Ser860Gly)

Gene: VCAN (versican; plus strand). Cytogenetic location: 5q14.3.
Variant type: single nucleotide variant.
Coding change: c.2578A>G on transcript NM_004385.5 (MANE Select); coding-DNA position 2578, A replaced by G.
Protein change: p.Ser860Gly; replaces serine 860 with glycine.
Molecular consequence: missense variant. On other transcripts: intron variant (2).
Genome position (GRCh38, 1-based): chr5:83,520,884, A>G. VCF-style: chr5-83520884-A-G. GRCh37 (hg19) VCF-style: chr5-82816703-A-G.
Other names: c.2578A>G, p.Ser860Gly (NM_001164098.2); c.1042+8488A>G (NM_001164097.2, NM_001126336.3); short protein forms S860G.
Identifiers: ClinVar variation 2794795 (VCV002794795.3), dbSNP rs1360261923, ClinGen allele CA360304232.